The following is an entry in ClinVar:

NM_006265.3(RAD21):c.1876C>T (p.Pro626Ser)

Gene: RAD21 (RAD21 cohesin complex component; minus strand). Cytogenetic location: 8q24.11.
Variant type: single nucleotide variant.
Coding change: c.1876C>T on transcript NM_006265.3 (MANE Select); coding-DNA position 1876, C replaced by T.
Protein change: p.Pro626Ser; replaces proline 626 with serine.
Molecular consequence: missense variant.
Genome position (GRCh38, 1-based): chr8:116,847,520, G>A on the plus strand (C>T on the coding strand, the complement: RAD21 is on the minus strand). VCF-style: chr8-116847520-G-A. GRCh37 (hg19) VCF-style: chr8-117859759-G-A.
Other names: short protein forms P626S.
Identifiers: ClinVar variation 3390639 (VCV003390639.2).

ClinVar aggregate classification (germline): Uncertain significance (1 of 4 stars; one submission).

Submission:

GeneDx
Classification: Uncertain significance. Last evaluated: 2025-12-09. Review status: criteria provided, single submitter. Criteria: GeneDx Variant Classification Process June 2021. Collection method: clinical testing. Allele origin: germline.
Comment: Not observed at significant frequency in large population cohorts (gnomAD); In silico analysis supports that this missense variant has a deleterious effect on protein structure/function; Has not been previously published as pathogenic or benign to our knowledge